The following is an entry in ClinVar:

ClinVar aggregate classification (germline): Uncertain significance (1 of 4 stars; one submission).

Conditions:
Hereditary cancer-predisposing syndrome. Also called: Hereditary Cancer Syndrome; Hereditary neoplastic syndrome; Neoplastic Syndromes, Hereditary; Tumor predisposition. Identifiers: Orphanet 140162, MedGen C0027672, MeSH D009386, MONDO:0015356.

Submission:

Ambry Genetics
Classification: Uncertain significance for Hereditary cancer-predisposing syndrome. Last evaluated: 2025-05-17. Review status: criteria provided, single submitter. Criteria: Ambry Variant Classification Scheme 2023. Collection method: clinical testing. Allele origin: germline.
Comment: The p.H2013N variant (also known as c.6037C>A), located in coding exon 15 of the APC gene, results from a C to A substitution at nucleotide position 6037. The histidine at codon 2013 is replaced by asparagine, an amino acid with similar properties. This amino acid position is conserved. In addition, in silico predictors for this gene do not accurately predict pathogenicity. Based on the available evidence, the clinical significance of this variant remains unclear.

NM_000038.6(APC):c.6037C>A (p.His2013Asn)

Gene: APC (APC regulator of Wnt signaling pathway; plus strand). Cytogenetic location: 5q22.2.
Variant type: single nucleotide variant.
Coding change: c.6037C>A on transcript NM_000038.6 (MANE Select); coding-DNA position 6037, C replaced by A.
Protein change: p.His2013Asn; replaces histidine 2013 with asparagine.
Molecular consequence: missense variant. On other transcripts: non-coding transcript variant (2).
Genome position (GRCh38, 1-based): chr5:112,841,631, C>A. VCF-style: chr5-112841631-C-A. GRCh37 (hg19) VCF-style: chr5-112177328-C-A.
Other names: c.6037C>A, p.His2013Asn (NM_001127510.3, NM_001354895.2, NM_001407450.1); c.5983C>A, p.His1995Asn (NM_001127511.3); c.6091C>A, p.His2031Asn (NM_001354896.2, NM_001407447.1, NM_001407448.1 and 1 more transcripts); c.6067C>A, p.His2023Asn (NM_001354897.2); c.5962C>A, p.His1988Asn (NM_001354898.2); c.5953C>A, p.His1985Asn (NM_001354899.2); c.5914C>A, p.His1972Asn (NM_001354900.2); c.5860C>A, p.His1954Asn (NM_001354901.2, NM_001407453.1); and 11 more; short protein forms H1884N, H1912N, H1972N, H1988N, H2023N, H1853N, H1985N, H1730N.
Identifiers: ClinVar variation 3929507 (VCV003929507.1).